The following is an entry in ClinVar:

ClinVar aggregate classification (germline): Pathogenic/Likely pathogenic. Review status: criteria provided, multiple submitters, no conflicts (2 of 4 stars). 2 submissions from 2 submitters: Pathogenic (1); Likely pathogenic (1). Last evaluated 2025-08-24.

Conditions:
Congenital titinopathy.
Dilated cardiomyopathy 1G (CMD1G). Identifiers: Orphanet 154, MedGen C1858763, MONDO:0011400, OMIM 604145.
Autosomal recessive limb-girdle muscular dystrophy type 2J (LGMDR10). Also called: Limb-girdle muscular dystrophy, type 2J; MUSCULAR DYSTROPHY, LIMB-GIRDLE, AUTOSOMAL RECESSIVE 10. Identifiers: Orphanet 140922, MedGen C1837342, MONDO:0012127, OMIM 608807.

Allele frequency attached by ClinVar (database versions not stated): gnomAD 0.00001; gnomAD exomes 0.00001; TOPMed 0.00002.
gnomAD v4.1: 4 of 1,591,316 alleles (0.00025%); highest among the groups gnomAD compares: Non-Finnish European, 0.00034%; no homozygotes.

Submissions (2):

Labcorp Genetics (formerly Invitae), Labcorp
Classification: Pathogenic for Dilated cardiomyopathy 1G; Autosomal recessive limb-girdle muscular dystrophy type 2J. Last evaluated: 2025-08-24. Review status: criteria provided, single submitter. Criteria: Invitae Variant Classification Sherloc (09022015). Collection method: clinical testing. Allele origin: germline.
Comment: This sequence change replaces aspartic acid, which is acidic and polar, with asparagine, which is neutral and polar, at codon 5352 of the TTN protein (p.Asp5352Asn). This variant also falls at the last nucleotide of exon 54, which is part of the consensus splice site for this exon. This variant is not present in population databases (gnomAD no frequency). This missense change has been observed in individual(s) with clinical features of autosomal recessive TTN-related conditions (external communication, internal data). In at least one individual the data is consistent with being in trans (on the opposite chromosome) from a pathogenic variant. It has also been observed to segregate with disease in related individuals. ClinVar contains an entry for this variant (Variation ID: 978037). Experimental studies and prediction algorithms are not available or were not evaluated, and the functional significance of this variant is currently unknown. Variants that disrupt the consensus splice site are a relatively common cause of aberrant splicing (PMID: 17576681, 9536098). Algorithms developed to predict the effect of sequence changes on RNA splicing suggest that this variant may disrupt the consensus splice site. This variant is located in the I band of TTN (PMID: 25589632). Non-truncating variants in this region may be clinically relevant, but have not been definitively shown to cause cardiomyopathy or neuromuscular disease (PMID: 27493940, 32778822). For these reasons, this variant has been classified as Pathogenic.

Undiagnosed Diseases Network, NIH
Classification: Likely pathogenic for Congenital titinopathy. Last evaluated: 2020-04-24. Review status: criteria provided, single submitter. Criteria: ACMG Guidelines, 2015. Collection method: clinical testing. Allele origin: paternal. Inheritance: Autosomal recessive inheritance. Affected: yes. Observed: 1 variant allele, 1 compound heterozygote. Study: Undiagnosed Diseases Network (NIH), UDN.

Literature cited by the submitters: PubMed 17576681 (cited by Labcorp Genetics (formerly Invitae), Labcorp); PubMed 9536098 (cited by Labcorp Genetics (formerly Invitae), Labcorp); PubMed 25589632 (cited by Labcorp Genetics (formerly Invitae), Labcorp); PubMed 27493940 (cited by Labcorp Genetics (formerly Invitae), Labcorp); PubMed 32778822 (cited by Labcorp Genetics (formerly Invitae), Labcorp).

NM_001267550.2(TTN):c.16054G>A (p.Asp5352Asn)

Gene: TTN (titin; minus strand). Cytogenetic location: 2q31.2.
Variant type: single nucleotide variant.
Coding change: c.16054G>A on transcript NM_001267550.2 (MANE Select); coding-DNA position 16054, G replaced by A.
Protein change: p.Asp5352Asn; replaces aspartic acid 5352 with asparagine.
Molecular consequence: missense variant. On other transcripts: intron variant (3).
Genome position (GRCh38, 1-based): chr2:178,733,239, C>T on the plus strand (G>A on the coding strand, the complement: TTN is on the minus strand). VCF-style: chr2-178733239-C-T. GRCh37 (hg19) VCF-style: chr2-179597966-C-T.
Other names: c.15103G>A, p.Asp5035Asn (NM_001256850.1); c.12322G>A, p.Asp4108Asn (NM_133378.4); c.13282+4843G>A (NM_003319.4); c.13858+4843G>A (NM_133437.4); c.13657+4843G>A (NM_133432.3); short protein forms D4108N, D5035N, D5352N.
Identifiers: ClinVar variation 978037 (VCV000978037.10), dbSNP rs1190242728, ClinGen allele CA349588167.